The following is an entry in ClinVar:

NM_007144.3(PCGF2):c.658A>T (p.Asn220Tyr)

Genes: CISD3 (CDGSH iron sulfur domain 3; plus strand), PCGF2 (polycomb group ring finger 2; minus strand). Cytogenetic location: 17q12.
Variant type: single nucleotide variant.
Coding change: c.658A>T on transcript NM_007144.3 (MANE Select); coding-DNA position 658, A replaced by T.
Protein change: p.Asn220Tyr; replaces asparagine 220 with tyrosine.
Molecular consequence: missense variant. On other transcripts: 3 prime UTR variant (1).
Genome position (GRCh38, 1-based): chr17:38,735,600, T>A on the plus strand (A>T on the coding strand, the complement: PCGF2 is on the minus strand). VCF-style: chr17-38735600-T-A. GRCh37 (hg19) VCF-style: chr17-36891853-T-A.
Other names: c.*2145T>A (NM_001136498.2); c.658A>T, p.Asn220Tyr (NM_001369614.1, NM_001369615.1); short protein forms N220Y.
Identifiers: ClinVar variation 1443606 (VCV001443606.31), dbSNP rs202151124, ClinGen allele CA8524895.

ClinVar aggregate classification (germline): Likely benign. Review status: criteria provided, multiple submitters, no conflicts (2 of 4 stars). 4 submissions from 4 submitters: Likely benign (4). Last evaluated 2025-06-18.

Conditions:
Inborn genetic diseases. Identifiers: MedGen C0950123, MeSH D030342.

Allele frequency attached by ClinVar (database versions not stated): ExAC 0.00003; gnomAD exomes 0.00004 and 0.00006; TOPMed 0.00005; gnomAD 0.00007 and 0.00009; ESP Exome Variant Server 0.00016.
gnomAD v4.1: 92 of 1,559,894 alleles (0.0059%); highest among the groups gnomAD compares: Middle Eastern, 0.077%; no homozygotes.

Submissions (4):

Labcorp Genetics (formerly Invitae), Labcorp
Classification: Likely benign. Last evaluated: 2025-06-18. Review status: criteria provided, single submitter. Criteria: Invitae Variant Classification Sherloc (09022015). Collection method: clinical testing. Allele origin: germline.

Laboratory of Genetics, Children's Clinical University Hospital Latvia
Classification: Likely benign. Last evaluated: 2025-02-16. Review status: criteria provided, single submitter. Criteria: ACMG Guidelines, 2015. Collection method: clinical testing. Allele origin: germline. Affected: yes.

Ambry Genetics
Classification: Likely benign for Inborn genetic diseases. Last evaluated: 2024-02-26. Review status: criteria provided, single submitter. Criteria: Ambry Variant Classification Scheme 2023. Collection method: clinical testing. Allele origin: germline.

CeGaT Center for Human Genetics Tuebingen
Classification: Likely benign. Last evaluated: 2022-04-01. Review status: criteria provided, single submitter. Criteria: CeGaT Center For Human Genetics Tuebingen Variant Classification Criteria Version 2. Collection method: clinical testing. Allele origin: germline. Affected: yes. Observed: 1 variant allele.
Comment: PCGF2: BS2